The following is an entry in ClinVar:

ClinVar aggregate classification (germline): Pathogenic/Likely pathogenic. Review status: criteria provided, multiple submitters, no conflicts (2 of 4 stars). 7 submissions from 7 submitters: Pathogenic (3); Likely pathogenic (3). 1 of the submissions does not count toward it. Last evaluated 2026-04-09.

Conditions:
Inborn genetic diseases. Identifiers: MedGen C0950123, MeSH D030342.
GM3 synthase deficiency (SPDRS). Also called: SALT AND PEPPER MENTAL RETARDATION SYNDROME; SALT AND PEPPER DEVELOPMENTAL REGRESSION SYNDROME; AMISH INFANTILE EPILEPSY SYNDROME. Identifiers: Orphanet 171714, Orphanet 370933, MedGen C1836824, MONDO:0018274, OMIM 609056.

gnomAD v4.1: 2 of 1,613,888 alleles (0.00012%); highest among the groups gnomAD compares: Non-Finnish European, 0.00017%; no homozygotes.

Submissions (7):

Women's Health and Genetics/Laboratory Corporation of America, LabCorp
Classification: Pathogenic for GM3 synthase deficiency. Last evaluated: 2026-04-09. Review status: criteria provided, single submitter. Criteria: LabCorp Variant Classification Summary - May 2015. Collection method: clinical testing. Allele origin: germline.
Comment: Variant summary: ST3GAL5 c.1024G>A (p.Gly342Ser) results in a non-conservative amino acid change in the encoded protein sequence. Algorithms developed to predict the effect of missense changes on protein structure and function all suggest that this variant is likely to be disruptive. The variant was absent in 251254 control chromosomes. c.1024G>A has been observed in individuals affected with GM3 synthase deficiency (e.g. Indellicato_2018, Issa_2020, Heide_2022). These data indicate that the variant is likely to be associated with disease. At least one publication reports experimental evidence evaluating an impact on protein function. The most pronounced variant effect resulted in <0.5% of normal activity (Indellicato_2018). The following publications have been ascertained in the context of this evaluation (PMID: 30576498, 34906476, 32404165). ClinVar contains an entry for this variant (Variation ID: 828145). Based on the evidence outlined above, the variant was classified as pathogenic.

Genomic Medicine Center of Excellence, King Faisal Specialist Hospital and Research Centre
Classification: Pathogenic for GM3 synthase deficiency. Last evaluated: 2024-12-19. Review status: criteria provided, single submitter. Criteria: ACMG Guidelines, 2015. Collection method: clinical testing. Allele origin: germline.

Labcorp Genetics (formerly Invitae), Labcorp
Classification: Pathogenic for GM3 synthase deficiency. Last evaluated: 2023-05-25. Review status: criteria provided, single submitter. Criteria: Invitae Variant Classification Sherloc (09022015). Collection method: clinical testing. Allele origin: germline.
Comment: This variant is not present in population databases (gnomAD no frequency). For these reasons, this variant has been classified as Pathogenic. Experimental studies have shown that this missense change affects ST3GAL5 function (PMID: 30576498). Advanced modeling of protein sequence and biophysical properties (such as structural, functional, and spatial information, amino acid conservation, physicochemical variation, residue mobility, and thermodynamic stability) performed at Invitae indicates that this missense variant is expected to disrupt ST3GAL5 protein function. ClinVar contains an entry for this variant (Variation ID: 828145). This missense change has been observed in individual(s) with ST3GAL5-related conditions (PMID: 30576498, 32404165, 34906476). In at least one individual the variant was observed to be de novo. This sequence change replaces glycine, which is neutral and non-polar, with serine, which is neutral and polar, at codon 342 of the ST3GAL5 protein (p.Gly342Ser).

Ambry Genetics
Classification: Likely pathogenic for Inborn genetic diseases. Last evaluated: 2022-06-29. Review status: criteria provided, single submitter. Criteria: Ambry Variant Classification Scheme 2023. Collection method: clinical testing. Allele origin: germline.
Comment: The c.1024G>A (p.G342S) alteration is located in exon 7 (coding exon 7) of the ST3GAL5 gene. This alteration results from a G to A substitution at nucleotide position 1024, causing the glycine (G) at amino acid position 342 to be replaced by a serine (S). This variant was not reported in population-based cohorts in the Genome Aggregation Database (gnomAD). This alteration has been reported in the homozgyous and compound heterozygous states in patients with clinical features of salt and pepper developmental regression syndrome (Heide, 2022; Issa, 2020; Indellicato, 2019). This amino acid position is highly conserved in available vertebrate species. An in vitro assay showed that this alteration, when closed and expressed in HEK-293T cells, showed complete loss of GM3 synthase activity (Indellicato, 2019). This alteration is predicted to be deleterious by in silico analysis. Based on the available evidence, this alteration is classified as likely pathogenic.

Revvity Omics, Revvity
Classification: Likely pathogenic for GM3 synthase deficiency. Last evaluated: 2021-08-24. Review status: criteria provided, single submitter. Criteria: ACMG Guidelines, 2015. Collection method: clinical testing. Allele origin: germline.

Juno Genomics, Hangzhou Juno Genomics, Inc
Classification: Likely pathogenic for GM3 synthase deficiency. Review status: criteria provided, single submitter. Criteria: ACMG Guidelines, 2015. Collection method: clinical testing. Allele origin: germline.
Comment: Absent from controls (or at extremely low frequency if recessive) in Genome Aggregation Database.;Well-established in vitro or in vivo functional studies supportive of a damaging effect on the gene or gene product.;For recessive disorders, detected in trans with a pathogenic variant.;Patient's phenotype or family history is highly specific for a disease with a single genetic etiology.

Biochemical Molecular Genetic Laboratory, King Abdulaziz Medical City
Classification: Pathogenic for GM3 synthase deficiency. Last evaluated: 2020-02-05. Review status: no assertion criteria provided. Collection method: clinical testing. Allele origin: germline. Affected: yes. Not counted in ClinVar's aggregate classification.

Literature cited by the submitters: PubMed 32404165 (cited by 3 submitters); PubMed 34906476 (cited by 3 submitters); PubMed 30576498 (cited by 3 submitters).

NM_003896.4(ST3GAL5):c.1024G>A (p.Gly342Ser)

Gene: ST3GAL5 (ST3 beta-galactoside alpha-2,3-sialyltransferase 5; minus strand). Cytogenetic location: 2p11.2.
Variant type: single nucleotide variant.
Coding change: c.1024G>A on transcript NM_003896.4 (MANE Select); coding-DNA position 1024, G replaced by A.
Protein change: p.Gly342Ser; replaces glycine 342 with serine.
Molecular consequence: missense variant.
Genome position (GRCh38, 1-based): chr2:85,840,377, C>T on the plus strand (G>A on the coding strand, the complement: ST3GAL5 is on the minus strand). VCF-style: chr2-85840377-C-T. GRCh37 (hg19) VCF-style: chr2-86067500-C-T.
Other names: c.955G>A, p.Gly319Ser (NM_001042437.2); c.640G>A, p.Gly214Ser (NM_001354223.2, NM_001354224.2, NM_001354226.2 and 3 more transcripts); c.940G>A, p.Gly314Ser (NM_001354227.2, NM_001354229.2, NM_001354238.1); c.301G>A, p.Gly101Ser (NM_001354247.1); c.865G>A, p.Gly289Ser (NM_001363847.1); short protein forms G101S, G319S, G214S, G289S, G342S, G314S.
Identifiers: ClinVar variation 828145 (VCV000828145.15), dbSNP rs367638648, ClinGen allele CA347503302.